The following is an entry in ClinVar:

NM_000038.6(APC):c.509_512del (p.Asp170fs)

Gene: APC (APC regulator of Wnt signaling pathway; plus strand). Cytogenetic location: 5q22.2.
Variant type: Microsatellite.
Coding change: c.509_512del on transcript NM_000038.6 (MANE Select); coding-DNA positions 509 to 512, 4 bases deleted (ATAG; older notation c.509_512delATAG).
Protein change: p.Asp170fs; shifts the reading frame from aspartic acid 170.
Molecular consequence: frameshift variant. On other transcripts: 5 prime UTR variant (1).
Genome position (GRCh38, 1-based): chr5:112,775,715-112,775,718, ATAG deleted; deleting any 4 consecutive bases within chr5:112,775,711-112,775,718 gives the same sequence; the c. name uses the placement nearest the transcript's 3' end. VCF-style (leftmost placement, unchanged base first): chr5-112775710-AATAG-A. GRCh37 (hg19) VCF-style: chr5-112111407-AATAG-A.
Other names: NM_000038.6(APC):c.509_512del; p.Asp170fs; c.509_512del (NM_000038.5); c.509_512del, p.Asp170fs (NM_001127510.3, NM_001354895.2, NM_001354896.2 and 2 more transcripts); c.539_542del, p.Asp180fs (NM_001127511.3, NM_001354897.2, NM_001354902.2); c.434_437del, p.Asp145fs (NM_001354898.2, NM_001354904.2); c.332_335del, p.Asp111fs (NM_001354900.2, NM_001354901.2, NM_001354905.2); c.-531ATAG[1] (NM_001354906.2); short protein forms D170fs, D111fs, D145fs, D180fs.
Identifiers: ClinVar variation 804 (VCV000000804.36), dbSNP rs387906231, ClinGen allele CA009858.

ClinVar aggregate classification (germline): Pathogenic. Review status: reviewed by expert panel (3 of 4 stars). 14 submissions from 14 submitters: Pathogenic (1). 13 of the submissions do not count toward it. Last evaluated 2023-02-18.

Conditions:
Hereditary cancer-predisposing syndrome. Also called: Neoplastic Syndromes, Hereditary; Tumor predisposition; Hereditary Cancer Syndrome; Hereditary neoplastic syndrome. Identifiers: Orphanet 140162, MedGen C0027672, MeSH D009386, MONDO:0015356.
Familial multiple polyposis syndrome (FAP). Also called: Familial polyposis; Familial adenomatous polyposis; Familial intestinal polyposis; Familial Adenomatous Polyposis (FAP); Classic familial adenomatous polyposis. Identifiers: Orphanet 733, MedGen C0032580, MONDO:0021055. Disease mechanism: loss of function.
Familial adenomatous polyposis 1 (FAP1). Also called: POLYPOSIS, ADENOMATOUS INTESTINAL; FAMILIAL ADENOMATOUS POLYPOSIS 1, ATTENUATED. Identifiers: MedGen C2713442, MONDO:0021056, OMIM 175100. Disease mechanism: loss of function.

Submissions 1 to 10 of 14:

ClinGen InSiGHT Hereditary Colorectal Cancer/Polyposis Variant Curation Expert Panel
Classification: Pathogenic for Familial adenomatous polyposis 1. Last evaluated: 2023-02-18. Review status: reviewed by expert panel. Criteria: ClinGen InSiGHT HCCP VCEP ACMG Specifications APC V1. Collection method: curation. Allele origin: germline. Inheritance: Autosomal dominant inheritance.
Comment: The c.509_512del (p.Asp170Valfs*4) variant in APC is a frameshift variant located between codon 49 and 2645 and predicted to cause a premature stop codon in exon 5 in a gene in which loss-of-function is an established disease mechanism (PVS1). This variant has been reported in > 8 probands meeting phenotypic criteria, resulting in a total phenotype score of 5 (PS4, PMID 1324223, Ambry Genetics, Invitae, Leiden, Bonn, Melbourne internal data). In addition, this variant has been reported to segregate with FAP in > 10 affected meioses in 1 family (PP1_Moderate; PMID 1324223). This variant is absent from gnomAD v2.1.1 (PM2_Supporting). In summary, this variant meets the criteria to be classified as Pathogenic for FAP based on the ACMG/AMP criteria applied, as specified by the ClinGen InSiGHT Hereditary Colorectal Cancer/Polyposis Variant Curation Expert Panel: PVS1, PS4, PM2_Supporting, PP1_Moderate (VCEP specifications version 1; date of approval: 12/12/2022).

Ambry Genetics
Classification: Pathogenic for Hereditary cancer-predisposing syndrome. Last evaluated: 2025-08-26. Review status: criteria provided, single submitter. Criteria: Ambry Variant Classification Scheme 2023. Collection method: clinical testing. Allele origin: germline. Not counted in ClinVar's aggregate classification.
Comment: The c.509_512delATAG pathogenic mutation, located in coding exon 4 of the APC gene, results from a deletion of 4 nucleotides at nucleotide positions 509 to 512, causing a translational frameshift with a predicted alternate stop codon (p.D170Vfs*4). This alteration has been reported in multiple individuals with a personal and/or family history of familial adenomatous polyposis (FAP) or attenuated FAP (AFAP) (Fodde R et al. Genomics. 1992 Aug;13(4):1162-8; Enomoto M et al. Jpn. J. Clin. Oncol. 2000 Feb;30:82-8; Bisgaard ML et al. Hum Mutat 2004 May;23(5):522; Friedl W and Aretz S. Hered Cancer Clin Pract. 2005 Sep 15;3(3):95-114; Filipe B et al. Clin. Genet. 2009 Sep;76:242-55; Lagarde A et al. J Med Genet 2010 Oct;47 (10):721-2; Jarry J et al. Fam. Cancer, 2011 Dec;10:659-65; Schwarzov&aacute; L et al. Fam Cancer 2013 Mar;12(1):35-42). This variant is considered to be rare based on population cohorts in the Genome Aggregation Database (gnomAD). This alteration is expected to result in loss of function by premature protein truncation or nonsense-mediated mRNA decay. As such, this alteration is interpreted as a disease-causing mutation.

Color Diagnostics, LLC DBA Color Health
Classification: Pathogenic for Hereditary cancer-predisposing syndrome. Last evaluated: 2025-07-25. Review status: criteria provided, single submitter. Criteria: ACMG Guidelines, 2015. Collection method: clinical testing. Allele origin: germline. Not counted in ClinVar's aggregate classification.
Comment: This variant deletes 4 nucleotides in exon 5 of the APC gene, creating a frameshift and premature translation stop signal. This variant is expected to result in an absent or non-functional protein product. This variant has been reported in individuals affected with familial adenomatous polyposis (PMID: 1324223, 8730280, 10768871, 19793053, 20223039, 20685668, 21779980, 22987206). This variant has not been identified in the general population by the Genome Aggregation Database (gnomAD). Loss of APC function is a known mechanism of disease. Based on the available evidence, this variant is classified as Pathogenic.

Labcorp Genetics (formerly Invitae), Labcorp
Classification: Pathogenic for Familial adenomatous polyposis 1. Last evaluated: 2025-07-05. Review status: criteria provided, single submitter. Criteria: Invitae Variant Classification Sherloc (09022015). Collection method: clinical testing. Allele origin: germline. Not counted in ClinVar's aggregate classification.
Comment: This sequence change creates a premature translational stop signal (p.Asp170Valfs*4) in the APC gene. It is expected to result in an absent or disrupted protein product. Loss-of-function variants in APC are known to be pathogenic (PMID: 17963004, 20685668). This variant is not present in population databases (gnomAD no frequency). This premature translational stop signal has been observed in individual(s) with familial adenomatous polyposis (PMID: 1324223, 10768871, 11247896, 19793053, 20223039, 20685668, 21779980, 22987206). ClinVar contains an entry for this variant (Variation ID: 804). For these reasons, this variant has been classified as Pathogenic.

Molecular Pathology, Peter Maccallum Cancer Centre
Classification: Pathogenic for Familial adenomatous polyposis 1. Last evaluated: 2025-05-20. Review status: criteria provided, single submitter. Criteria: ACMG Guidelines, 2015. Collection method: clinical testing. Allele origin: germline. Inheritance: Autosomal dominant inheritance. Not counted in ClinVar's aggregate classification.

GeneDx
Classification: Pathogenic. Last evaluated: 2023-06-13. Review status: criteria provided, single submitter. Criteria: GeneDx Variant Classification Process June 2021. Collection method: clinical testing. Allele origin: germline. Affected: yes. Not counted in ClinVar's aggregate classification.
Comment: Frameshift variant predicted to result in protein truncation or nonsense mediated decay in a gene for which loss-of-function is a known mechanism of disease; Not observed in large population cohorts (gnomAD); This variant is associated with the following publications: (PMID: 31332616, 15108286, 19793053, 21779980, 22987206, 20223039, 1324223)

Myriad Genetics, Inc.
Classification: Pathogenic for Familial adenomatous polyposis 1. Last evaluated: 2023-04-26. Review status: criteria provided, single submitter. Criteria: Myriad Autosomal Dominant, Autosomal Recessive and X-Linked Classification Criteria (2023). Collection method: clinical testing. Allele origin: unknown. Not counted in ClinVar's aggregate classification.
Comment: This variant is considered pathogenic. This variant creates a frameshift predicted to result in premature protein truncation.

Baylor Genetics
Classification: Pathogenic for Familial adenomatous polyposis 1. Last evaluated: 2022-08-05. Review status: criteria provided, single submitter. Criteria: ACMG Guidelines, 2015. Collection method: clinical testing. Allele origin: unknown. Not counted in ClinVar's aggregate classification.

Women's Health and Genetics/Laboratory Corporation of America, LabCorp
Classification: Pathogenic for Familial multiple polyposis syndrome. Last evaluated: 2021-11-22. Review status: criteria provided, single submitter. Criteria: LabCorp Variant Classification Summary - May 2015. Collection method: clinical testing. Allele origin: germline. Not counted in ClinVar's aggregate classification.
Comment: Variant summary: APC c.509_512delATAG (p.Asp170ValfsX4) results in a premature termination codon, predicted to cause a truncation of the encoded protein or absence of the protein due to nonsense mediated decay, which are commonly known mechanisms for disease. Truncations downstream of this position have been classified as pathogenic by our laboratory. The variant was absent in 242340 control chromosomes and c.509_512delATAG has been reported in the literature in multiple individuals affected with Familial Adenomatous Polyposis (example, Fodde_1992, Cao_2006, Sieber_2006, Friedl_2001). These data indicate that the variant is very likely to be associated with disease. To our knowledge, no experimental evidence demonstrating an impact on protein function has been reported. Four clinical diagnostic laboratories have submitted clinical-significance assessments for this variant to ClinVar after 2014 without evidence for independent evaluation and all submittions classified the variant as pathogenic. Based on the evidence outlined above, the variant was classified as pathogenic.

Quest Diagnostics Nichols Institute San Juan Capistrano
Classification: Pathogenic. Last evaluated: 2020-12-30. Review status: criteria provided, single submitter. Criteria: Quest Diagnostics criteria. Collection method: clinical testing. Allele origin: unknown. Not counted in ClinVar's aggregate classification.
Comment: This frameshift variant causes the premature termination of APC protein synthesis. In addition, it has been reported in individuals and families affected with familial adenomatous polyposis in the published literature (PMID: 22987206 (2013), 21779980 (2011), 20685668 (2010), 20223039 (2005)). This variant has not been reported in large, multi-ethnic general populations. Therefore, the variant is classified as pathogenic.